The following is an entry in ClinVar:

ClinVar aggregate classification (germline): Uncertain significance (1 of 4 stars; one submission).

Conditions:
Holoprosencephaly 9 (HPE9). Also called: PITUITARY ANOMALIES WITH HOLOPROSENCEPHALY-LIKE FEATURES; HOLOPROSENCEPHALY WITH MICROPHTHALMIA AND FIRST BRANCHIAL ARCH ANOMALIES. Identifiers: Orphanet 2162, MedGen C1835819, MONDO:0012563, OMIM 610829.
Postaxial polydactyly-anterior pituitary anomalies-facial dysmorphism syndrome. Also called: Culler-Jones syndrome. Identifiers: Orphanet 420584, MedGen C4014479, MONDO:0014369, OMIM 615849.

Allele frequency attached by ClinVar (database versions not stated): gnomAD exomes below 0.00001.
gnomAD v4.1: 2 of 1,577,880 alleles (0.00013%); highest among the groups gnomAD compares: Non-Finnish European, 0.00017%; no homozygotes.

Submission:

Labcorp Genetics (formerly Invitae), Labcorp
Classification: Uncertain significance for Postaxial polydactyly-anterior pituitary anomalies-facial dysmorphism syndrome; Holoprosencephaly 9. Last evaluated: 2023-10-13. Review status: criteria provided, single submitter. Criteria: Invitae Variant Classification Sherloc (09022015). Collection method: clinical testing. Allele origin: germline.
Comment: This sequence change replaces tyrosine, which is neutral and polar, with cysteine, which is neutral and slightly polar, at codon 1024 of the GLI2 protein (p.Tyr1024Cys). This variant is present in population databases (no rsID available, gnomAD 0.001%). This variant has not been reported in the literature in individuals affected with GLI2-related conditions. ClinVar contains an entry for this variant (Variation ID: 1720968). Advanced modeling of protein sequence and biophysical properties (such as structural, functional, and spatial information, amino acid conservation, physicochemical variation, residue mobility, and thermodynamic stability) performed at Invitae indicates that this missense variant is not expected to disrupt GLI2 protein function. In summary, the available evidence is currently insufficient to determine the role of this variant in disease. Therefore, it has been classified as a Variant of Uncertain Significance.

NM_001374353.1(GLI2):c.3020A>G (p.Tyr1007Cys)

Gene: GLI2 (GLI family zinc finger 2; plus strand). Cytogenetic location: 2q14.2.
Variant type: single nucleotide variant.
Coding change: c.3020A>G on transcript NM_001374353.1 (MANE Select); coding-DNA position 3020, A replaced by G.
Protein change: p.Tyr1007Cys; replaces tyrosine 1007 with cysteine.
Molecular consequence: missense variant.
Genome position (GRCh38, 1-based): chr2:120,988,985, A>G. VCF-style: chr2-120988985-A-G. GRCh37 (hg19) VCF-style: chr2-121746561-A-G.
Other names: c.3071A>G, p.Tyr1024Cys (NM_001371271.1, NM_005270.5); c.2645A>G, p.Tyr882Cys (NM_001374354.1); short protein forms Y1007C, Y1024C, Y882C.
Identifiers: ClinVar variation 1720968 (VCV001720968.5), dbSNP rs1477028869, ClinGen allele CA348171062.